The following is an entry in ClinVar:

NM_000256.3(MYBPC3):c.2404C>A (p.Pro802Thr)

Gene: MYBPC3 (myosin binding protein C3; minus strand). Cytogenetic location: 11p11.2.
Variant type: single nucleotide variant.
Coding change: c.2404C>A on transcript NM_000256.3 (MANE Select); coding-DNA position 2404, C replaced by A.
Protein change: p.Pro802Thr; replaces proline 802 with threonine.
Molecular consequence: missense variant.
Genome position (GRCh38, 1-based): chr11:47,337,699, G>T on the plus strand (C>A on the coding strand, the complement: MYBPC3 is on the minus strand). VCF-style: chr11-47337699-G-T. GRCh37 (hg19) VCF-style: chr11-47359250-G-T.
Other names: short protein forms P802T.
Identifiers: ClinVar variation 1384539 (VCV001384539.9), dbSNP rs1270948572, ClinGen allele CA380318610.

ClinVar aggregate classification (germline): Uncertain significance. Review status: criteria provided, multiple submitters, no conflicts (2 of 4 stars). 3 submissions from 3 submitters: Uncertain significance (3). Last evaluated 2024-04-16.

Conditions:
Cardiomyopathy (CMYO). Also called: Cardiomyopathies. Identifiers: Orphanet 167848, MedGen C0878544, MONDO:0004994, HP:0001638. Inheritance: Various modes of inheritance.
Hypertrophic cardiomyopathy. Also called: HYPERTROPHIC MYOCARDIOPATHY. Identifiers: Orphanet 217569, MedGen C0007194, MeSH D002312, MONDO:0005045, HP:0001639.

Submissions (3):

All of Us Research Program, National Institutes of Health
Classification: Uncertain significance for Hypertrophic cardiomyopathy. Last evaluated: 2024-04-16. Review status: criteria provided, single submitter. Criteria: ACMG Guidelines, 2015. Collection method: clinical testing. Allele origin: germline. Inheritance: Autosomal dominant inheritance. Observed: 1 variant allele, 1 heterozygote.
Comment: This missense variant replaces proline with threonine at codon 802 of the MYBPC3 protein. Computational prediction is inconclusive regarding the impact of this variant on protein structure and function (internally defined REVEL score threshold 0.5 < inconclusive < 0.7, PMID: 27666373). To our knowledge, functional studies have not been reported for this variant. This variant has not been reported in individuals affected with MYBPC3-related disorders in the literature. This variant has not been identified in the general population by the Genome Aggregation Database (gnomAD). The available evidence is insufficient to determine the role of this variant in disease conclusively. Therefore, this variant is classified as a Variant of Uncertain Significance.

This study involves interpretation of variants in research participants for the purpose of population health screening. Participant phenotype was not available at the time of variant classification. Additional details can be found in publication PMID: 35346344, PMCID: PMC8962531

Color Diagnostics, LLC DBA Color Health
Classification: Uncertain significance for Cardiomyopathy. Last evaluated: 2024-03-19. Review status: criteria provided, single submitter. Criteria: ACMG Guidelines, 2015. Collection method: clinical testing. Allele origin: germline.
Comment: This missense variant replaces proline with threonine at codon 802 of the MYBPC3 protein. Computational prediction is inconclusive regarding the impact of this variant on protein structure and function. To our knowledge, functional studies have not been reported for this variant. This variant has not been reported in individuals affected with MYBPC3-related disorders in the literature. This variant has not been identified in the general population by the Genome Aggregation Database (gnomAD). The available evidence is insufficient to determine the role of this variant in disease conclusively. Therefore, this variant is classified as a Variant of Uncertain Significance.

Labcorp Genetics (formerly Invitae), Labcorp
Classification: Uncertain significance for Hypertrophic cardiomyopathy. Last evaluated: 2023-11-29. Review status: criteria provided, single submitter. Criteria: Invitae Variant Classification Sherloc (09022015). Collection method: clinical testing. Allele origin: germline.
Comment: This sequence change replaces proline, which is neutral and non-polar, with threonine, which is neutral and polar, at codon 802 of the MYBPC3 protein (p.Pro802Thr). This variant is not present in population databases (gnomAD no frequency). This variant has not been reported in the literature in individuals affected with MYBPC3-related conditions. ClinVar contains an entry for this variant (Variation ID: 1384539). An algorithm developed to predict the effect of missense changes on protein structure and function (PolyPhen-2) suggests that this variant is likely to be disruptive. In summary, the available evidence is currently insufficient to determine the role of this variant in disease. Therefore, it has been classified as a Variant of Uncertain Significance.